The following is an entry in ClinVar:

NM_014727.3(KMT2B):c.1241C>G (p.Pro414Arg)

Gene: KMT2B (lysine methyltransferase 2B; plus strand). Cytogenetic location: 19q13.12.
Variant type: single nucleotide variant.
Coding change: c.1241C>G on transcript NM_014727.3 (MANE Select); coding-DNA position 1241, C replaced by G.
Protein change: p.Pro414Arg; replaces proline 414 with arginine.
Molecular consequence: missense variant.
Genome position (GRCh38, 1-based): chr19:35,720,588, C>G. VCF-style: chr19-35720588-C-G. GRCh37 (hg19) VCF-style: chr19-36211490-C-G.
Other names: short protein forms P414R.
Identifiers: ClinVar variation 1958695 (VCV001958695.5), dbSNP rs891723603, ClinGen allele CA307782761.

ClinVar aggregate classification (germline): Uncertain significance (1 of 4 stars; one submission).

Allele frequency attached by ClinVar (database versions not stated): gnomAD exomes below 0.00001.

Submission:

Labcorp Genetics (formerly Invitae), Labcorp
Classification: Uncertain significance. Last evaluated: 2025-01-28. Review status: criteria provided, single submitter. Criteria: Invitae Variant Classification Sherloc (09022015). Collection method: clinical testing. Allele origin: germline.
Comment: This sequence change replaces proline, which is neutral and non-polar, with arginine, which is basic and polar, at codon 414 of the KMT2B protein (p.Pro414Arg). This variant is not present in population databases (gnomAD no frequency). This variant has not been reported in the literature in individuals affected with KMT2B-related conditions. ClinVar contains an entry for this variant (Variation ID: 1958695). Invitae Evidence Modeling of protein sequence and biophysical properties (such as structural, functional, and spatial information, amino acid conservation, physicochemical variation, residue mobility, and thermodynamic stability) indicates that this missense variant is not expected to disrupt KMT2B protein function with a negative predictive value of 80%. In summary, the available evidence is currently insufficient to determine the role of this variant in disease. Therefore, it has been classified as a Variant of Uncertain Significance.